The following is an entry in ClinVar:

NM_015910.7(WDPCP):c.208+3A>G

Gene: WDPCP (WD repeat containing planar cell polarity effector; minus strand). Cytogenetic location: 2p15.
Variant type: single nucleotide variant.
Coding change: c.208+3A>G on transcript NM_015910.7 (MANE Select); 3 bases into the intron after coding-DNA position 208, A replaced by G.
Molecular consequence: intron variant.
Genome position (GRCh38, 1-based): chr2:63,487,444, T>C on the plus strand (A>G on the coding strand, the complement: WDPCP is on the minus strand). VCF-style: chr2-63487444-T-C. GRCh37 (hg19) VCF-style: chr2-63714578-T-C.
Other names: c.136+3A>G (NM_001354044.2); c.208+3A>G (NM_001354045.2, NM_015910.5).
Identifiers: ClinVar variation 3250133 (VCV003250133.4).

ClinVar aggregate classification (germline): Uncertain significance. Review status: criteria provided, multiple submitters, no conflicts (2 of 4 stars). 4 submissions from 4 submitters: Uncertain significance (2). 2 of the submissions do not count toward it. Last evaluated 2025-07-11.

Conditions:
WDPCP-related disorder. Also called: WDPCP-related condition.
Optic atrophy. Identifiers: MedGen C0029124, MONDO:0003608, HP:0000648.

gnomAD v4.1: 45 of 1,586,814 alleles (0.0028%); highest among the groups gnomAD compares: Non-Finnish European, 0.0038%; no homozygotes.

Submissions (4):

GeneDx
Classification: Uncertain significance. Last evaluated: 2025-07-11. Review status: criteria provided, single submitter. Criteria: GeneDx Variant Classification Process June 2021. Collection method: clinical testing. Allele origin: germline. Affected: yes.
Comment: In silico analysis suggests that this variant does not alter splicing; Has not been previously published as pathogenic or benign to our knowledge

Blueprint Genetics
Classification: Uncertain significance. Last evaluated: 2023-04-17. Review status: criteria provided, single submitter. Criteria: ACMG Guidelines, 2015. Collection method: clinical testing. Allele origin: germline.

PreventionGenetics, part of Exact Sciences
Classification: Uncertain significance for WDPCP-related condition. Last evaluated: 2024-07-02. Review status: no assertion criteria provided. Collection method: clinical testing. Allele origin: germline. Not counted in ClinVar's aggregate classification.
Comment: The WDPCP c.208+3A>G variant is predicted to interfere with splicing. To our knowledge, this variant has not been reported in the literature. This variant is reported in 0.0047% of alleles in individuals of European (Non-Finnish) descent in gnomAD. At this time, the clinical significance of this variant is uncertain due to the absence of conclusive functional and genetic evidence.

Institute of Human Genetics, Univ. Regensburg, Univ. Regensburg
Classification: Uncertain significance for Optic atrophy. Last evaluated: 2022-01-01. Review status: no assertion criteria provided. Criteria: ACMG Guidelines, 2015. Collection method: clinical testing. Allele origin: germline. Affected: yes. Not counted in ClinVar's aggregate classification.